The following is an entry in ClinVar:

ClinVar aggregate classification (germline): Pathogenic (1 of 4 stars; one submission).

Conditions:
RPE65-related recessive retinopathy. Also called: Recessive RPE65 retinopathy. Identifiers: MedGen CN305526, MONDO:0100368.

Submission:

Myriad Genetics, Inc.
Classification: Pathogenic for RPE65-related recessive retinopathy. Last evaluated: 2024-05-14. Review status: criteria provided, single submitter. Criteria: Myriad Autosomal Dominant, Autosomal Recessive and X-Linked Classification Criteria (2023). Collection method: clinical testing. Allele origin: unknown.
Comment: NM_000329.2(RPE65):c.421dupG(E141Gfs*16) is expected to be pathogenic in the context of inherited retinal dystrophy, RPE65-related. This variant is predicted to lead to an abnormal or absent protein product due to the creation of a premature termination codon in RPE65, a gene where loss-of-function variants are known to be pathogenic. Please note: this variant was assessed in the context of healthy population screening.

NM_000329.3(RPE65):c.421dup (p.Glu141fs)

Gene: RPE65 (retinoid isomerohydrolase RPE65; minus strand). Cytogenetic location: 1p31.3.
Variant type: Duplication.
Coding change: c.421dup on transcript NM_000329.3 (MANE Select); coding-DNA position 421, one base duplicated (G; older notation c.421dupG).
Protein change: p.Glu141fs; shifts the reading frame from glutamic acid 141.
Molecular consequence: frameshift variant.
Genome position (GRCh38, 1-based): chr1:68,444,605, C duplicated on the plus strand (G on the coding strand, the reverse complement: RPE65 is on the minus strand); the first of 5 consecutive C bases (chr1:68,444,605-68,444,609); duplicating any one gives the same sequence. VCF-style (leftmost placement, unchanged base first): chr1-68444604-T-TC. GRCh37 (hg19) VCF-style: chr1-68910287-T-TC.
Other names: c.313dup, p.Glu105fs (NM_001406853.1); c.145dup, p.Glu49fs (NM_001406856.1, NM_001406857.1); c.421dup, p.Glu141fs (NM_001406859.1, NM_001406860.1); short protein forms E105fs, E141fs, E49fs.
Identifiers: ClinVar variation 5010711 (VCV005010711.1).